The following is an entry in ClinVar:

NM_021922.3(FANCE):c.127G>C (p.Gly43Arg)

Genes: FANCE (FA complementation group E; plus strand), LOC129996245 (ATAC-STARR-seq lymphoblastoid silent region 17092; plus strand). Cytogenetic location: 6p21.31.
Variant type: single nucleotide variant.
Coding change: c.127G>C on transcript NM_021922.3 (MANE Select); coding-DNA position 127, G replaced by C.
Protein change: p.Gly43Arg; replaces glycine 43 with arginine.
Molecular consequence: missense variant.
Genome position (GRCh38, 1-based): chr6:35,452,672, G>C. VCF-style: chr6-35452672-G-C. GRCh37 (hg19) VCF-style: chr6-35420449-G-C.
Other names: c.127G>C, p.Gly43Arg (NM_001410876.1); short protein forms G43R.
Identifiers: ClinVar variation 4778040 (VCV004778040.1).

ClinVar aggregate classification (germline): Uncertain significance (1 of 4 stars; one submission).

Conditions:
Fanconi anemia complementation group E (FANCE). Also called: FANCE-Related Fanconi Anemia. Identifiers: Orphanet 84, MedGen C3160739, MONDO:0010953, OMIM 600901.

Submission:

Labcorp Genetics (formerly Invitae), Labcorp
Classification: Uncertain significance for Fanconi anemia complementation group E. Last evaluated: 2025-04-04. Review status: criteria provided, single submitter. Criteria: Invitae Variant Classification Sherloc (09022015). Collection method: clinical testing. Allele origin: germline.
Comment: This sequence change replaces glycine, which is neutral and non-polar, with arginine, which is basic and polar, at codon 43 of the FANCE protein (p.Gly43Arg). This variant is not present in population databases (gnomAD no frequency). This variant has not been reported in the literature in individuals affected with FANCE-related conditions. Invitae Evidence Modeling of protein sequence and biophysical properties (such as structural, functional, and spatial information, amino acid conservation, physicochemical variation, residue mobility, and thermodynamic stability) indicates that this missense variant is expected to disrupt FANCE protein function with a positive predictive value of 80%. In summary, the available evidence is currently insufficient to determine the role of this variant in disease. Therefore, it has been classified as a Variant of Uncertain Significance.